The following is an entry in ClinVar:

NM_004360.5(CDH1):c.1137+4A>G

Gene: CDH1 (cadherin 1; plus strand). Cytogenetic location: 16q22.1.
Variant type: single nucleotide variant.
Coding change: c.1137+4A>G on transcript NM_004360.5 (MANE Select); 4 bases into the intron after coding-DNA position 1137, A replaced by G.
Molecular consequence: intron variant.
Genome position (GRCh38, 1-based): chr16:68,812,267, A>G. VCF-style: chr16-68812267-A-G. GRCh37 (hg19) VCF-style: chr16-68846170-A-G.
Other names: c.-479+4A>G (NM_001317185.2); c.-683+4A>G (NM_001317186.2); c.1137+4A>G (NM_001317184.2, NM_004360.4, NM_004360.3).
Identifiers: ClinVar variation 1349007 (VCV001349007.7), dbSNP rs967063432, ClinGen allele CA2573152612.

ClinVar aggregate classification (germline): Uncertain significance. Review status: criteria provided, multiple submitters, no conflicts (2 of 4 stars). 3 submissions from 3 submitters: Uncertain significance (3). Last evaluated 2025-11-03.

Conditions:
Hereditary diffuse gastric adenocarcinoma (HDGC). Also called: DIFFUSE GASTRIC AND LOBULAR BREAST CANCER SYNDROME. Identifiers: Orphanet 26106, MedGen C1708349, MONDO:0007648, OMIM 137215.
Hereditary cancer-predisposing syndrome. Also called: Hereditary Cancer Syndrome; Neoplastic Syndromes, Hereditary; Tumor predisposition; Hereditary neoplastic syndrome. Identifiers: Orphanet 140162, MedGen C0027672, MeSH D009386, MONDO:0015356.

Submissions (3):

Ambry Genetics
Classification: Uncertain significance for Hereditary cancer-predisposing syndrome. Last evaluated: 2025-11-03. Review status: criteria provided, single submitter. Criteria: Ambry Variant Classification Scheme 2023. Collection method: clinical testing. Allele origin: germline.
Comment: The c.1137+4A>G intronic variant results from an A to G substitution 4 nucleotides after coding exon 8 in the CDH1 gene. This nucleotide position is highly conserved in available vertebrate species. In silico splice site analysis predicts that this alteration will not have any significant effect on splicing. RNA studies have demonstrated that this alteration results in a splice defect; the clinical impact of this abnormal splicing is unknown at this time (Ambry internal data). Based on the available evidence, the clinical significance of this variant remains unclear.

European Reference Network on Genetic Tumour Risk Syndromes (ERN-GENTURIS), i3s - Instituto de Investigação e Inovação em Saúde, University of Porto
Classification: Uncertain significance for Hereditary diffuse gastric adenocarcinoma. Last evaluated: 2022-08-01. Review status: criteria provided, single submitter. Criteria: Lee et al. (Hum Mutat. 2018). Collection method: clinical testing. Allele origin: germline. Inheritance: Autosomal dominant inheritance. Affected: no. Study: ERN GENTURIS.
Comment: PM2 (PMID: 30311375)

Labcorp Genetics (formerly Invitae), Labcorp
Classification: Uncertain significance for Hereditary diffuse gastric adenocarcinoma. Last evaluated: 2021-12-17. Review status: criteria provided, single submitter. Criteria: Invitae Variant Classification Sherloc (09022015). Collection method: clinical testing. Allele origin: germline.
Comment: In summary, the available evidence is currently insufficient to determine the role of this variant in disease. Therefore, it has been classified as a Variant of Uncertain Significance. This variant is not present in population databases (gnomAD no frequency). Variants that disrupt the consensus splice site are a relatively common cause of aberrant splicing (PMID: 17576681, 9536098). Studies have shown that this variant results in increased use of a cryptic donor site and introduces a premature termination codon (Invitae). The resulting mRNA is expected to undergo nonsense-mediated decay. This variant has not been reported in the literature in individuals affected with CDH1-related conditions. This sequence change falls in intron 8 of the CDH1 gene. It does not directly change the encoded amino acid sequence of the CDH1 protein. RNA analysis indicates that this variant induces altered splicing and may result in an absent or disrupted protein product.

Literature cited by the submitters: PubMed 36436516 (cited by European Reference Network on Genetic Tumour Risk Syndromes (ERN-GENTURIS), i3s - Instituto de Investigação e Inovação em Saúde, University of Porto); PubMed 17576681 (cited by Labcorp Genetics (formerly Invitae), Labcorp); PubMed 9536098 (cited by Labcorp Genetics (formerly Invitae), Labcorp).